The following is an entry in ClinVar:

NM_003742.4(ABCB11):c.2783_2787dup (p.Lys930fs)

Genes: ABCB11 (ATP binding cassette subfamily B member 11; minus strand), LOC126806400 (CDK7 strongly-dependent group 2 enhancer GRCh37_chr2:169791870-169793069; plus strand). Cytogenetic location: 2q31.1.
Variant type: Duplication.
Coding change: c.2783_2787dup on transcript NM_003742.4 (MANE Select); coding-DNA positions 2783 to 2787, 5 bases duplicated (GAGAT; older notation c.2783_2787dupGAGAT).
Protein change: p.Lys930fs; shifts the reading frame from lysine 930.
Molecular consequence: frameshift variant.
Genome position (GRCh38, 1-based): chr2:168,936,257-168,936,261, ATCTC duplicated on the plus strand (GAGAT on the coding strand, the reverse complement: ABCB11 is on the minus strand). VCF-style (leftmost placement, unchanged base first): chr2-168936256-T-TATCTC. GRCh37 (hg19) VCF-style: chr2-169792766-T-TATCTC.
Other names: c.2783_2787dup, p.Lys930fs (LRG_1199t1); c.2783_2787dupGAGAT (NM_003742.4); c.2783_2787dup (NM_003742.2); c.2783_2787dup5 (NM_003742.2); short protein forms K930fs.
Identifiers: ClinVar variation 6594 (VCV000006594.19), dbSNP rs752919965, ClinGen allele CA1951193.

ClinVar aggregate classification (germline): Pathogenic. Review status: criteria provided, multiple submitters, no conflicts (2 of 4 stars). 8 submissions from 8 submitters: Pathogenic (7). 1 of the submissions does not count toward it. Last evaluated 2026-05-13.

Conditions:
ABCB11-related disorder. Also called: ABCB11-related condition.
Familial intrahepatic cholestasis. Identifiers: Orphanet 284385, MedGen CN296401, MONDO:0017290.
Benign recurrent intrahepatic cholestasis type 2 (BRIC2). Also called: Recurrent familial intrahepatic cholestasis 2. Identifiers: Orphanet 65682, Orphanet 99961, MedGen C2608083, MONDO:0011559, OMIM 605479.
Progressive familial intrahepatic cholestasis type 2. Identifiers: Orphanet 79304, MedGen C3489789, MONDO:0011156, OMIM 601847.

Allele frequency attached by ClinVar (database versions not stated): TOPMed below 0.00001; ExAC 0.00001; gnomAD 0.00001; gnomAD exomes 0.00001.

Submissions (8):

PreventionGenetics, part of Exact Sciences
Classification: Pathogenic for ABCB11-related condition. Last evaluated: 2026-05-13. Review status: criteria provided, single submitter. Criteria: ACMG Guidelines, 2015. Collection method: clinical testing. Allele origin: germline.
Comment: The ABCB11 c.2783_2787dup5 variant is predicted to result in a frameshift and premature protein termination (p.Lys930Glufs*79). This variant, which has also been described as K90X or c.2787_2788insGAGAT, has been reported in the homozygous and compound heterozygous states with a second ABCB11 variant in individuals with progressive familial intrahepatic cholestasis type 2 (PFIC2) (see for example, Noe et al. 2005. PubMed ID: 16039748; Giovannoni et al. 2015. PubMed ID: 26678486; Table 3, Hertel et al. 2021. PubMed ID: 34016879; Lin et al. 2013. PubMed ID: 24115678). This variant is reported in 0.0016% of alleles in individuals of European (Non-Finnish) descent in gnomAD. Frameshift variants in ABCB11 are expected to be pathogenic. This variant is interpreted as pathogenic.

Genomenon, Inc
Classification: Pathogenic for Familial intrahepatic cholestasis. Last evaluated: 2026-04-14. Review status: criteria provided, single submitter. Criteria: Genomenon Sequence Variant Interpretation Standards - Updated. Collection method: curation. Allele origin: germline. Affected: yes.
Comment: ABCB11 p.Lys930GlufsTer79 (c.2783_2787dup) is a frameshift variant that results in the production of a truncated protein which is predicted to undergo nonsense-mediated mRNA decay. This variant has been observed in at least one proband with an ABCB11-related disorder (PMID:38590732;35780807;28733223;18395098;24115678;27114171;26678486). The variant was found to segregate with disease in at least one affected family (PMID:18395098). It is absent or not present at a significant frequency in gnomAD. In conclusion, we classify ABCB11 p.Lys930GlufsTer79 (c.2783_2787dup) as a pathogenic variant.

Natera, Inc.
Classification: Pathogenic for Progressive familial intrahepatic cholestasis type 2. Last evaluated: 2025-07-13. Review status: criteria provided, single submitter. Criteria: Natera Variant Classification Schema (03/2026). Collection method: clinical testing. Allele origin: germline.
Comment: The c.2783_2787dupGAGAT variant in ABCB11 is a frameshift variant predicted to shift the reading frame beginning at codon 930 and leads to a stop codon 79 codons downstream. This variant is expected to result in nonsense mediated decay, truncation, or a dysfunctional protein product. This variant is rare in the general population with a frequency below the threshold expected for the associated phenotype(s). This variant has been observed in one or more individuals affected with the associated recessive disease, as either homozygous or compound heterozygous with a second variant (PMID: 26678486). Given the available evidence, this variant is classified as Pathogenic.

Baylor Genetics
Classification: Pathogenic for Benign recurrent intrahepatic cholestasis type 2. Last evaluated: 2024-03-25. Review status: criteria provided, single submitter. Criteria: ACMG Guidelines, 2015. Collection method: clinical testing. Allele origin: unknown.

Labcorp Genetics (formerly Invitae), Labcorp
Classification: Pathogenic. Last evaluated: 2023-11-06. Review status: criteria provided, single submitter. Criteria: Invitae Variant Classification Sherloc (09022015). Collection method: clinical testing. Allele origin: germline.
Comment: This sequence change creates a premature translational stop signal (p.Lys930Glufs*79) in the ABCB11 gene. It is expected to result in an absent or disrupted protein product. Loss-of-function variants in ABCB11 are known to be pathogenic (PMID: 18395098, 20232290). This variant is present in population databases (rs752919965, gnomAD 0.002%). This premature translational stop signal has been observed in individuals with progressive familial intrahepatic cholestasis 2 (PMID: 16039748, 26678486). This variant is also known as K930X and c.2787_2788insGAGAT. ClinVar contains an entry for this variant (Variation ID: 6594). For these reasons, this variant has been classified as Pathogenic.

GeneDx
Classification: Pathogenic. Last evaluated: 2023-03-13. Review status: criteria provided, single submitter. Criteria: GeneDx Variant Classification Process June 2021. Collection method: clinical testing. Allele origin: germline. Affected: yes.
Comment: Frameshift variant predicted to result in protein truncation or nonsense mediated decay in a gene for which loss of function is a known mechanism of disease; Not observed at significant frequency in large population cohorts (gnomAD); This variant is associated with the following publications: (PMID: 24115678, 16039748, 26678486, 28733223, 29625052, 27368585, 34016879)

Eurofins Ntd Llc (ga)
Classification: Pathogenic. Last evaluated: 2018-04-19. Review status: criteria provided, single submitter. Criteria: EGL ClinVar v180209 classification definitions. Collection method: clinical testing. Allele origin: germline.

OMIM
Classification: Pathogenic for CHOLESTASIS, PROGRESSIVE FAMILIAL INTRAHEPATIC, 2. Last evaluated: 2005-09-01. Review status: no assertion criteria provided. Collection method: literature only. Allele origin: germline. Not counted in ClinVar's aggregate classification.

Literature cited by the submitters: PubMed 38590732 (cited by Genomenon, Inc); PubMed 35780807 (cited by Genomenon, Inc); PubMed 28733223 (cited by Genomenon, Inc); PubMed 18395098 (cited by Genomenon, Inc and Labcorp Genetics (formerly Invitae), Labcorp); PubMed 24115678 (cited by Genomenon, Inc and Eurofins Ntd Llc (ga)); PubMed 27114171 (cited by Genomenon, Inc); PubMed 26678486 (cited by 3 submitters); PubMed 20232290 (cited by Labcorp Genetics (formerly Invitae), Labcorp); PubMed 16039748 (cited by 3 submitters); PubMed 27368585 (cited by Eurofins Ntd Llc (ga)).